The following is an entry in ClinVar:

NM_053025.4(MYLK):c.4666G>C (p.Glu1556Gln)

Gene: MYLK (myosin light chain kinase; minus strand). Cytogenetic location: 3q21.1.
Variant type: single nucleotide variant.
Coding change: c.4666G>C on transcript NM_053025.4 (MANE Select); coding-DNA position 4666, G replaced by C.
Protein change: p.Glu1556Gln; replaces glutamic acid 1556 with glutamine.
Molecular consequence: missense variant.
Genome position (GRCh38, 1-based): chr3:123,640,458, C>G on the plus strand (G>C on the coding strand, the complement: MYLK is on the minus strand). VCF-style: chr3-123640458-C-G. GRCh37 (hg19) VCF-style: chr3-123359305-C-G.
Other names: c.4138G>C, p.Glu1380Gln (NM_001321309.2); c.4459G>C, p.Glu1487Gln (NM_053026.4, NM_053028.4); c.4666G>C, p.Glu1556Gln (NM_053027.4); short protein forms E1380Q, E1487Q, E1556Q.
Identifiers: ClinVar variation 3655657 (VCV003655657.2).

ClinVar aggregate classification (germline): Uncertain significance (1 of 4 stars; one submission).

Conditions:
Aortic aneurysm, familial thoracic 7 (AAT7). Also called: AORTIC DISSECTION, FAMILIAL, WITH OR WITHOUT AORTIC ANEURYSM. Identifiers: MedGen C3151077, MONDO:0013418, OMIM 613780.

Submission:

Labcorp Genetics (formerly Invitae), Labcorp
Classification: Uncertain significance for Aortic aneurysm, familial thoracic 7. Last evaluated: 2024-06-05. Review status: criteria provided, single submitter. Criteria: Invitae Variant Classification Sherloc (09022015). Collection method: clinical testing. Allele origin: germline.
Comment: This sequence change replaces glutamic acid, which is acidic and polar, with glutamine, which is neutral and polar, at codon 1556 of the MYLK protein (p.Glu1556Gln). This variant is not present in population databases (gnomAD no frequency). This variant has not been reported in the literature in individuals affected with MYLK-related conditions. Advanced modeling of protein sequence and biophysical properties (such as structural, functional, and spatial information, amino acid conservation, physicochemical variation, residue mobility, and thermodynamic stability) performed at Invitae indicates that this missense variant is not expected to disrupt MYLK protein function with a negative predictive value of 80%. In summary, the available evidence is currently insufficient to determine the role of this variant in disease. Therefore, it has been classified as a Variant of Uncertain Significance.